The following is an entry in ClinVar:

NM_000426.4(LAMA2):c.5247C>T (p.Ala1749=)

Gene: LAMA2 (laminin subunit alpha 2; plus strand). Cytogenetic location: 6q22.33.
Variant type: single nucleotide variant.
Coding change: c.5247C>T on transcript NM_000426.4 (MANE Select); coding-DNA position 5247, C replaced by T.
Protein change: p.Ala1749=; no amino-acid change (alanine 1749 retained).
Molecular consequence: synonymous variant.
Genome position (GRCh38, 1-based): chr6:129,393,057, C>T. VCF-style: chr6-129393057-C-T. GRCh37 (hg19) VCF-style: chr6-129714202-C-T.
Other names: p.Ala1749=; c.5247C>T, p.Ala1749= (NM_001079823.2).
Identifiers: ClinVar variation 167243 (VCV000167243.36), dbSNP rs149951387, ClinGen allele CA180157.

ClinVar aggregate classification (germline): Benign/Likely benign. Review status: criteria provided, multiple submitters, no conflicts (2 of 4 stars). 7 submissions from 7 submitters: Benign (3); Likely benign (4). Last evaluated 2026-01-26.

Conditions:
LAMA2-related muscular dystrophy (LAMA2-RD). Also called: Laminin alpha 2-related dystrophy. Identifiers: MedGen C5679788, MONDO:0100228.

Allele frequency attached by ClinVar (database versions not stated): gnomAD 0.00271; TOPMed 0.00335; ESP Exome Variant Server 0.00346; 1000 Genomes Project 30x 0.00422; 1000 Genomes Project 0.00439.
gnomAD v4.1: 845 of 1,613,236 alleles (0.052%); highest among the groups gnomAD compares: African/African-American, 1.1%; 5 homozygotes.

Submissions (7):

Labcorp Genetics (formerly Invitae), Labcorp
Classification: Benign for LAMA2-related muscular dystrophy. Last evaluated: 2026-01-26. Review status: criteria provided, single submitter. Criteria: Invitae Variant Classification Sherloc (09022015). Collection method: clinical testing. Allele origin: germline.

Mayo Clinic Laboratories, Mayo Clinic
Classification: Likely benign. Last evaluated: 2025-02-04. Review status: criteria provided, single submitter. Criteria: ACMG Guidelines, 2015. Collection method: clinical testing. Allele origin: germline. Observed: 6 variant alleles.
Comment: BS1, BP4, BP7

Blueprint Genetics
Classification: Likely benign. Last evaluated: 2024-11-26. Review status: criteria provided, single submitter. Criteria: ACMG Guidelines, 2015. Collection method: clinical testing. Allele origin: germline.

CeGaT Center for Human Genetics Tuebingen
Classification: Likely benign. Last evaluated: 2024-06-01. Review status: criteria provided, single submitter. Criteria: CeGaT Center For Human Genetics Tuebingen Variant Classification Criteria Version 2. Collection method: clinical testing. Allele origin: germline. Affected: yes. Observed: 1 variant allele.
Comment: LAMA2: BP4, BP7, BS2

GeneDx
Classification: Likely benign. Last evaluated: 2020-10-29. Review status: criteria provided, single submitter. Criteria: GeneDx Variant Classification Process June 2021. Collection method: clinical testing. Allele origin: germline. Affected: yes.

Athena Diagnostics
Classification: Benign. Last evaluated: 2019-02-14. Review status: criteria provided, single submitter. Criteria: Athena Diagnostics Criteria. Collection method: clinical testing. Allele origin: germline.

Eurofins Ntd Llc (ga)
Classification: Benign. Last evaluated: 2013-12-13. Review status: criteria provided, single submitter. Criteria: EGL Classification Definitions 2015. Collection method: clinical testing. Allele origin: germline. Observed: 1 variant allele, 1 heterozygote.